The following is an entry in ClinVar:

NM_017777.4(MKS1):c.858+9A>G

Gene: MKS1 (MKS transition zone complex subunit 1; minus strand). Cytogenetic location: 17q22.
Variant type: single nucleotide variant.
Coding change: c.858+9A>G on transcript NM_017777.4 (MANE Select); 9 bases into the intron after coding-DNA position 858, A replaced by G.
Molecular consequence: intron variant.
Genome position (GRCh38, 1-based): chr17:58,212,973, T>C on the plus strand (A>G on the coding strand, the complement: MKS1 is on the minus strand). VCF-style: chr17-58212973-T-C. GRCh37 (hg19) VCF-style: chr17-56290334-T-C.
Other names: NM_001165927.1:c.828+9A>G; p.?; c.249+9A>G (NM_001321268.2); c.858+9A>G (NM_001330397.2, NM_001321269.2).
Identifiers: ClinVar variation 126274 (VCV000126274.36), dbSNP rs3826300, ClinGen allele CA150939.

ClinVar aggregate classification (germline): Benign. Review status: criteria provided, multiple submitters, no conflicts (2 of 4 stars). 15 submissions from 13 submitters: Benign (10). 5 of the submissions do not count toward it. Last evaluated 2026-02-04.

Conditions:
Joubert syndrome 28 (JBTS28). Identifiers: MedGen C4310705, MONDO:0014928, OMIM 617121.
Joubert syndrome. Also called: Familial aplasia of the vermis; JOUBERT-BOLTSHAUSER SYNDROME. Identifiers: Orphanet 475, MedGen C5979921, MONDO:0018772.
Meckel-Gruber syndrome. Also called: Dysencephalia splachnocystica; GRUBER SYNDROME; DYSENCEPHALIA SPLANCHNOCYSTICA. Identifiers: Orphanet 564, MedGen C0265215, MONDO:0018921.
Meckel syndrome, type 1 (MKS1). Also called: MECKEL-GRUBER SYNDROME, TYPE 1. Identifiers: Orphanet 564, MedGen C3714506, MONDO:0009571, OMIM 249000.
Bardet-Biedl syndrome 13 (BBS13). Identifiers: Orphanet 110, MedGen C2673873, MONDO:0014441, OMIM 615990.

Allele frequency attached by ClinVar (database versions not stated): 1000 Genomes Project 30x 0.48751; TOPMed 0.52350; gnomAD 0.52625 and 0.53797; ESP Exome Variant Server 0.55580; gnomAD exomes 0.43355 and 0.43830; ExAC 0.44655; 1000 Genomes Project 0.48083.
gnomAD v4.1: 720,072 of 1,612,244 alleles (45%); highest among the groups gnomAD compares: African/African-American, 80%; 168,926 homozygotes.

Submissions (15):

Labcorp Genetics (formerly Invitae), Labcorp
Classification: Benign for Joubert syndrome; Meckel-Gruber syndrome. Last evaluated: 2026-02-04. Review status: criteria provided, single submitter. Criteria: Invitae Variant Classification Sherloc (09022015). Collection method: clinical testing. Allele origin: germline.

Blueprint Genetics
Classification: Benign. Last evaluated: 2024-11-28. Review status: criteria provided, single submitter. Criteria: ACMG Guidelines, 2015. Collection method: clinical testing. Allele origin: germline.

Mayo Clinic Laboratories, Mayo Clinic
Classification: Benign. Last evaluated: 2022-05-05. Review status: criteria provided, single submitter. Criteria: ACMG Guidelines, 2015. Collection method: clinical testing. Allele origin: germline. Observed: 429 variant alleles.

Genome-Nilou Lab
Classification: Benign for Bardet-Biedl syndrome 13. Last evaluated: 2021-06-10. Review status: criteria provided, single submitter. Criteria: ACMG Guidelines, 2015. Collection method: clinical testing. Allele origin: germline. Affected: no.

Genome-Nilou Lab
Classification: Benign for Joubert syndrome 28. Last evaluated: 2021-06-10. Review status: criteria provided, single submitter. Criteria: ACMG Guidelines, 2015. Collection method: clinical testing. Allele origin: germline. Affected: no.

Illumina Laboratory Services, Illumina
Classification: Benign for Meckel syndrome, type 1. Last evaluated: 2018-01-12. Review status: criteria provided, single submitter. Criteria: ICSL Variant Classification Criteria 13 December 2019. Collection method: clinical testing. Allele origin: germline.
Comment: This variant was observed in the ICSL laboratory as part of a predisposition screen in an ostensibly healthy population. It had not been previously curated by ICSL or reported in the Human Gene Mutation Database (HGMD: prior to June 1st, 2018), and was therefore a candidate for classification through an automated scoring system. Utilizing variant allele frequency, disease prevalence and penetrance estimates, and inheritance mode, an automated score was calculated to assess if this variant is too frequent to cause the disease. Based on the score and internal cut-off values, a variant classified as benign is not then subjected to further curation. The score for this variant resulted in a classification of benign for this disease.

Illumina Laboratory Services, Illumina
Classification: Benign for Bardet-Biedl syndrome 13. Last evaluated: 2018-01-12. Review status: criteria provided, single submitter. Criteria: ICSL Variant Classification Criteria 13 December 2019. Collection method: clinical testing. Allele origin: germline.
Comment: the same text as in the submission from Illumina Laboratory Services, Illumina above.

GeneDx
Classification: Benign. Last evaluated: 2015-03-03. Review status: criteria provided, single submitter. Criteria: GeneDx Variant Classification Process June 2021. Collection method: clinical testing. Allele origin: germline. Affected: yes.

Breakthrough Genomics
Classification: Benign. Review status: criteria provided, single submitter. Criteria: ACMG Guidelines, 2015. Collection method: not provided. Allele origin: germline. Inheritance: Autosomal recessive inheritance. Affected: yes.

PreventionGenetics, part of Exact Sciences
Classification: Benign. Review status: criteria provided, single submitter. Criteria: ACMG Guidelines, 2015. Collection method: clinical testing. Allele origin: germline.

Natera, Inc.
Classification: Benign for Meckel syndrome type 1. Last evaluated: 2020-09-16. Review status: no assertion criteria provided. Collection method: clinical testing. Allele origin: germline. Not counted in ClinVar's aggregate classification.

Clinical Genetics DNA and cytogenetics Diagnostics Lab, Erasmus MC, Erasmus Medical Center
Classification: Benign. Review status: no assertion criteria provided. Collection method: clinical testing. Allele origin: germline. Affected: yes. Study: VKGL Data-share Consensus. Not counted in ClinVar's aggregate classification.

Diagnostic Laboratory, Department of Genetics, University Medical Center Groningen
Classification: Benign. Review status: no assertion criteria provided. Collection method: clinical testing. Allele origin: germline. Affected: yes. Study: VKGL Data-share Consensus. Not counted in ClinVar's aggregate classification.

Genetic Services Laboratory, University of Chicago
Classification: Likely benign for AllHighlyPenetrant. Review status: no assertion criteria provided. Collection method: clinical testing. Allele origin: germline. Inheritance: Autosomal recessive inheritance. Observed: 294 variant alleles. Not counted in ClinVar's aggregate classification.
Comment: Likely benign based on allele frequency in 1000 Genomes Project or ESP global frequency and its presence in a patient with a rare or unrelated disease phenotype. NOT Sanger confirmed.

Joint Genome Diagnostic Labs from Nijmegen and Maastricht, Radboudumc and MUMC+
Classification: Benign. Review status: no assertion criteria provided. Collection method: clinical testing. Allele origin: germline. Affected: yes. Study: VKGL Data-share Consensus. Not counted in ClinVar's aggregate classification.